The following is an entry in ClinVar:

ClinVar aggregate classification (germline): Uncertain significance (1 of 4 stars; one submission).

Conditions:
NRP2-related disorder. Also called: NRP2-related condition.

gnomAD v4.1: 5 of 1,613,048 alleles (0.00031%); highest among the groups gnomAD compares: Admixed American, 0.0067%; no homozygotes.

Submission:

PreventionGenetics, part of Exact Sciences
Classification: Uncertain significance for NRP2-related condition. Last evaluated: 2026-06-16. Review status: criteria provided, single submitter. Criteria: ACMG Guidelines, 2015. Collection method: clinical testing. Allele origin: germline.
Comment: The NRP2 c.2419T>G variant is predicted to result in the amino acid substitution p.Phe807Val. To our knowledge, this variant has not been reported in the literature. This variant is reported in 0.0058% of alleles in individuals of Latino descent in gnomAD. At this time, the clinical significance of this variant is uncertain due to the absence of conclusive functional and genetic evidence.

NM_003872.3(NRP2):c.2419T>G (p.Phe807Val)

Gene: NRP2 (neuropilin 2; plus strand). Cytogenetic location: 2q33.3.
Variant type: single nucleotide variant.
Coding change: c.2419T>G on transcript NM_003872.3 (MANE Select); coding-DNA position 2419, T replaced by G.
Protein change: p.Phe807Val; replaces phenylalanine 807 with valine.
Molecular consequence: missense variant.
Genome position (GRCh38, 1-based): chr2:205,766,797, T>G. VCF-style: chr2-205766797-T-G. GRCh37 (hg19) VCF-style: chr2-206631521-T-G.
Other names: c.2419T>G, p.Phe807Val (NM_018534.4, NM_201266.2, NM_201267.2 and 1 more transcripts); short protein forms F807V.
Identifiers: ClinVar variation 4990230 (VCV004990230.1).
Genomic context (GRCh38, chr2:205,766,797, plus strand): 5'-GTTTCTTGCCTTTAACTAAGTCCAATTTTTTGTTTGTTTTTTTCAGAACCCATCTCGGCT[T>G]TTGCAGGTGAGAATTTTAAAGGTAAAAAAAAATTTTTTTTTTGCATGCTTTTTCCTTCCC-3'
Protein context (NP_003863.2, residues 797-817): LENCMEPISA[Phe807Val]AVDIPEIHER